The following is an entry in ClinVar:

NM_006642.5(SDCCAG8):c.918A>C (p.Glu306Asp)

Gene: SDCCAG8 (SHH signaling and ciliogenesis regulator SDCCAG8; plus strand). Cytogenetic location: 1q43.
Variant type: single nucleotide variant.
Coding change: c.918A>C on transcript NM_006642.5 (MANE Select); coding-DNA position 918, A replaced by C.
Protein change: p.Glu306Asp; replaces glutamic acid 306 with aspartic acid.
Molecular consequence: missense variant.
Genome position (GRCh38, 1-based): chr1:243,308,166, A>C. VCF-style: chr1-243308166-A-C. GRCh37 (hg19) VCF-style: chr1-243471468-A-C.
Other names: c.15A>C, p.Glu5Asp (NM_001350246.2, NM_001350247.2, NM_001350251.2); c.1014A>C, p.Glu338Asp (NM_001350248.2); c.624A>C, p.Glu208Asp (NM_001350249.2); short protein forms E5D, E208D, E306D, E338D.
Identifiers: ClinVar variation 944250 (VCV000944250.8), dbSNP rs770183847, ClinGen allele CA1483471.
Genomic context (GRCh38, chr1:243,308,166, plus strand): 5'-TGCTCAGCATGAAGCTGTTCTTTCCCAAACCCATACTAATGTTCATATGCAGACCATCGA[A>C]AGACTGGTTAAGTAAGTATGCTTCTACGCGCACGGAGACTTTGGCAATATGGAAAATTCT-3'
Protein context (NP_006633.1, residues 296-316): THTNVHMQTI[Glu306Asp]RLVKERDDLM

ClinVar aggregate classification (germline): Uncertain significance. Review status: criteria provided, multiple submitters, no conflicts (2 of 4 stars). 2 submissions from 2 submitters: Uncertain significance (2). Last evaluated 2022-08-23.

Conditions:
Bardet-Biedl syndrome 16 (BBS16). Identifiers: Orphanet 110, MedGen C3889474, MONDO:0014444, OMIM 615993.
Senior-Loken syndrome 7 (SLSN7). Identifiers: Orphanet 3156, MedGen C3150877, MONDO:0013326, OMIM 613615.

Allele frequency attached by ClinVar (database versions not stated): gnomAD exomes below 0.00001; ExAC 0.00001; gnomAD 0.00001 and 0.00002; TOPMed 0.00003.
gnomAD v4.1: 6 of 1,614,058 alleles (0.00037%); highest among the groups gnomAD compares: African/African-American, 0.0067%; no homozygotes.

Submissions (2):

Labcorp Genetics (formerly Invitae), Labcorp
Classification: Uncertain significance for Bardet-Biedl syndrome 16; Senior-Loken syndrome 7. Last evaluated: 2022-08-23. Review status: criteria provided, single submitter. Criteria: Invitae Variant Classification Sherloc (09022015). Collection method: clinical testing. Allele origin: germline.
Comment: This sequence change replaces glutamic acid, which is acidic and polar, with aspartic acid, which is acidic and polar, at codon 306 of the SDCCAG8 protein (p.Glu306Asp). This variant is present in population databases (rs770183847, gnomAD 0.008%). This variant has not been reported in the literature in individuals affected with SDCCAG8-related conditions. ClinVar contains an entry for this variant (Variation ID: 944250). Algorithms developed to predict the effect of missense changes on protein structure and function are either unavailable or do not agree on the potential impact of this missense change (SIFT: "Tolerated"; PolyPhen-2: "Possibly Damaging"; Align-GVGD: "Class C0"). In summary, the available evidence is currently insufficient to determine the role of this variant in disease. Therefore, it has been classified as a Variant of Uncertain Significance.

Fulgent Genetics
Classification: Uncertain significance for Senior-Loken syndrome 7; Bardet-Biedl syndrome 16. Last evaluated: 2022-01-14. Review status: criteria provided, single submitter. Criteria: ACMG Guidelines, 2015. Collection method: clinical testing. Allele origin: unknown.